The following is an entry in ClinVar:

ClinVar aggregate classification (germline): Benign (0 of 4 stars; one submission).

Conditions:
KALRN-related disorder. Also called: KALRN-related condition.

Allele frequency attached by ClinVar (database versions not stated): 1000 Genomes Project 0.11042; ExAC 0.11176; gnomAD 0.11439; 1000 Genomes Project 30x 0.11665; gnomAD exomes 0.11835; TOPMed 0.11962; ESP Exome Variant Server 0.13140.
gnomAD v4.1: 190,142 of 1,613,644 alleles (12%); highest among the groups gnomAD compares: African/African-American, 14%; 11,444 homozygotes.

Submission:

PreventionGenetics, part of Exact Sciences
Classification: Benign for KALRN-related condition. Last evaluated: 2019-10-28. Review status: no assertion criteria provided. Collection method: clinical testing. Allele origin: germline.
Comment: This variant is classified as benign based on ACMG/AMP sequence variant interpretation guidelines (Richards et al. 2015 PMID: 25741868, with internal and published modifications).

NM_001388419.1(KALRN):c.7995T>C (p.Tyr2665=)

Gene: KALRN (kalirin RhoGEF kinase; plus strand). Cytogenetic location: 3q21.2.
Variant type: single nucleotide variant.
Coding change: c.7995T>C on transcript NM_001388419.1 (MANE Select); coding-DNA position 7995, T replaced by C.
Protein change: p.Tyr2665=; no amino-acid change (tyrosine 2665 retained).
Molecular consequence: synonymous variant.
Genome position (GRCh38, 1-based): chr3:124,700,032, T>C. VCF-style: chr3-124700032-T-C. GRCh37 (hg19) VCF-style: chr3-124418879-T-C.
Other names: c.7995T>C, p.Tyr2665= (NM_001024660.5); c.2901T>C, p.Tyr967= (NM_001322993.2); c.2904T>C, p.Tyr968= (NM_007064.5).
Identifiers: ClinVar variation 3058862 (VCV003058862.2), dbSNP rs56047676, ClinGen allele CA2581308.